The following is an entry in ClinVar:

ClinVar aggregate classification (germline): Likely benign (1 of 4 stars; one submission).

gnomAD v4.1: 2 of 1,603,028 alleles (0.00012%); highest among the groups gnomAD compares: Admixed American, 0.0017%; no homozygotes.

Submission:

CeGaT Center for Human Genetics Tuebingen
Classification: Likely benign. Last evaluated: 2026-09-01. Review status: criteria provided, single submitter. Criteria: CeGaT Center For Human Genetics Tuebingen Variant Classification Criteria Version 2. Collection method: clinical testing. Allele origin: germline. Affected: yes. Observed: 2 variant alleles.
Comment: PDXK: BP4, BP7

NM_003681.5(PDXK):c.240G>A (p.Val80=)

Gene: PDXK (pyridoxal kinase; plus strand). Cytogenetic location: 21q22.3.
Variant type: single nucleotide variant.
Coding change: c.240G>A on transcript NM_003681.5 (MANE Select); coding-DNA position 240, G replaced by A.
Protein change: p.Val80=; no amino-acid change (valine 80 retained).
Molecular consequence: synonymous variant.
Genome position (GRCh38, 1-based): chr21:43,741,764, G>A. VCF-style: chr21-43741764-G-A. GRCh37 (hg19) VCF-style: chr21-45161645-G-A.
Other names: c.120G>A, p.Val40= (NM_001331030.2).
Identifiers: ClinVar variation 4280739 (VCV004280739.7).